The following is an entry in ClinVar:

ClinVar aggregate classification (germline): Uncertain significance (1 of 4 stars; one submission).

Allele frequency attached by ClinVar (database versions not stated): gnomAD 0.00001 and 0.00002; TOPMed 0.00002.
gnomAD v4.1: 43 of 1,613,714 alleles (0.0027%); highest among the groups gnomAD compares: Non-Finnish European, 0.0034%; no homozygotes.

Submission:

Labcorp Genetics (formerly Invitae), Labcorp
Classification: Uncertain significance. Last evaluated: 2024-05-06. Review status: criteria provided, single submitter. Criteria: Invitae Variant Classification Sherloc (09022015). Collection method: clinical testing. Allele origin: germline.
Comment: This sequence change replaces proline, which is neutral and non-polar, with serine, which is neutral and polar, at codon 1765 of the PCLO protein (p.Pro1765Ser). This variant is present in population databases (rs776887181, gnomAD 0.005%). This variant has not been reported in the literature in individuals affected with PCLO-related conditions. ClinVar contains an entry for this variant (Variation ID: 1510822). Experimental studies and prediction algorithms are not available or were not evaluated, and the functional significance of this variant is currently unknown. In summary, the available evidence is currently insufficient to determine the role of this variant in disease. Therefore, it has been classified as a Variant of Uncertain Significance.

NM_033026.6(PCLO):c.5293C>T (p.Pro1765Ser)

Gene: PCLO (piccolo presynaptic cytomatrix protein; minus strand). Cytogenetic location: 7q21.11.
Variant type: single nucleotide variant.
Coding change: c.5293C>T on transcript NM_033026.6 (MANE Select); coding-DNA position 5293, C replaced by T.
Protein change: p.Pro1765Ser; replaces proline 1765 with serine.
Molecular consequence: missense variant.
Genome position (GRCh38, 1-based): chr7:82,955,660, G>A on the plus strand (C>T on the coding strand, the complement: PCLO is on the minus strand). VCF-style: chr7-82955660-G-A. GRCh37 (hg19) VCF-style: chr7-82584976-G-A.
Other names: c.5293C>T, p.Pro1765Ser (NM_014510.3); short protein forms P1765S.
Identifiers: ClinVar variation 1510822 (VCV001510822.7), dbSNP rs776887181, ClinGen allele CA4320674.